The following is an entry in ClinVar:

ClinVar aggregate classification (germline): Uncertain significance (1 of 4 stars; one submission).

Submission:

Labcorp Genetics (formerly Invitae), Labcorp
Classification: Uncertain significance. Last evaluated: 2023-07-10. Review status: criteria provided, single submitter. Criteria: Invitae Variant Classification Sherloc (09022015). Collection method: clinical testing. Allele origin: germline.
Comment: This sequence change falls in intron 13 of the MSH3 gene. It does not directly change the encoded amino acid sequence of the MSH3 protein. It affects a nucleotide within the consensus splice site. This variant is not present in population databases (gnomAD no frequency). This variant has not been reported in the literature in individuals affected with MSH3-related conditions. ClinVar contains an entry for this variant (Variation ID: 1498580). Variants that disrupt the consensus splice site are a relatively common cause of aberrant splicing (PMID: 17576681, 9536098). Algorithms developed to predict the effect of sequence changes on RNA splicing suggest that this variant may disrupt the consensus splice site. In summary, the available evidence is currently insufficient to determine the role of this variant in disease. Therefore, it has been classified as a Variant of Uncertain Significance.

Literature cited by the submitters: PubMed 17576681; PubMed 9536098.

NM_002439.5(MSH3):c.1896+2dup

Gene: MSH3 (mutS homolog 3; plus strand). Cytogenetic location: 5q14.1.
Variant type: Duplication.
Coding change: c.1896+2dup on transcript NM_002439.5 (MANE Select); the canonical splice donor site of the intron after coding-DNA position 1896, one base duplicated (T; older notation c.1896+2dupT).
Molecular consequence: splice donor variant.
Genome position (GRCh38, 1-based): chr5:80,761,680, T duplicated. VCF-style (leftmost placement, unchanged base first): chr5-80761679-G-GT. GRCh37 (hg19) VCF-style: chr5-80057498-G-GT.
Identifiers: ClinVar variation 1498580 (VCV001498580.6), dbSNP rs2112880091, ClinGen allele CA2573139879.